The following is an entry in ClinVar:

NM_032444.4(SLX4):c.2006G>A (p.Arg669His)

Gene: SLX4 (SLX4 structure-specific endonuclease subunit; minus strand). Cytogenetic location: 16p13.3.
Variant type: single nucleotide variant.
Coding change: c.2006G>A on transcript NM_032444.4 (MANE Select); coding-DNA position 2006, G replaced by A.
Protein change: p.Arg669His; replaces arginine 669 with histidine.
Molecular consequence: missense variant.
Genome position (GRCh38, 1-based): chr16:3,595,612, C>T on the plus strand (G>A on the coding strand, the complement: SLX4 is on the minus strand). VCF-style: chr16-3595612-C-T. GRCh37 (hg19) VCF-style: chr16-3645613-C-T.
Other names: c.2006G>A (LRG_503t1); short protein forms R669H.
Identifiers: ClinVar variation 319169 (VCV000319169.42), dbSNP rs200807331, ClinGen allele CA7866337.
Genomic context (GRCh38, chr16:3,595,612, plus strand): 5'-ATGGCAAGTGGGATGGCCGGGACCAGAGAGCGCGGGCCAGAGCCAGTTCTTACCAAGGTG[C>T]GGCCGCCCCTGTCCGGGTGCTTGTCCTGCGATGGCACCACAAACCCAGTCAGAGGAAGGC-3'
Protein context (NP_115820.2, residues 659-679): SQDKHPDRGG[Arg669His]TLLSLGLLVA

ClinVar aggregate classification (germline): Conflicting classifications of pathogenicity. Review status: criteria provided, conflicting classifications (1 of 4 stars). 6 submissions from 6 submitters: Uncertain significance (4); Likely benign (2). Last evaluated 2025-11-03.

Conditions:
Fanconi anemia complementation group P. Also called: SLX4-Related Fanconi Anemia. Identifiers: Orphanet 84, MedGen C3469542, MONDO:0013499, OMIM 613951.
Fanconi anemia (FA). Also called: Fanconi's anemia. Identifiers: Orphanet 84, MedGen C0015625, MeSH D005199, MONDO:0019391.

Allele frequency attached by ClinVar (database versions not stated): gnomAD 0.00009; ExAC 0.00010; gnomAD exomes 0.00011; TOPMed 0.00013.
gnomAD v4.1: 165 of 1,613,672 alleles (0.01%); highest among the groups gnomAD compares: East Asian, 0.02%; no homozygotes.

Submissions (6):

Labcorp Genetics (formerly Invitae), Labcorp
Classification: Uncertain significance for Fanconi anemia. Last evaluated: 2025-11-03. Review status: criteria provided, single submitter. Criteria: Invitae Variant Classification Sherloc (09022015). Collection method: clinical testing. Allele origin: germline.
Comment: This sequence change replaces arginine, which is basic and polar, with histidine, which is basic and polar, at codon 669 of the SLX4 protein (p.Arg669His). This variant is present in population databases (rs200807331, gnomAD 0.05%). This variant has not been reported in the literature in individuals affected with SLX4-related conditions. ClinVar contains an entry for this variant (Variation ID: 319169). An algorithm developed to predict the effect of missense changes on protein structure and function outputs the following: PolyPhen-2: "Benign". The histidine amino acid residue is found in multiple mammalian species, which suggests that this missense change does not adversely affect protein function. In summary, the available evidence is currently insufficient to determine the role of this variant in disease. Therefore, it has been classified as a Variant of Uncertain Significance.

CeGaT Center for Human Genetics Tuebingen
Classification: Likely benign. Last evaluated: 2025-05-01. Review status: criteria provided, single submitter. Criteria: CeGaT Center For Human Genetics Tuebingen Variant Classification Criteria Version 2. Collection method: clinical testing. Allele origin: germline. Affected: yes. Observed: 3 variant alleles.
Comment: SLX4: BP4

Blueprint Genetics
Classification: Likely benign. Last evaluated: 2024-11-18. Review status: criteria provided, single submitter. Criteria: ACMG Guidelines, 2015. Collection method: clinical testing. Allele origin: germline.

Fulgent Genetics
Classification: Uncertain significance for Fanconi anemia complementation group P. Last evaluated: 2024-05-13. Review status: criteria provided, single submitter. Criteria: ACMG Guidelines, 2015. Collection method: clinical testing. Allele origin: germline.

Illumina Laboratory Services, Illumina
Classification: Uncertain significance for Fanconi anemia complementation group P. Last evaluated: 2018-01-12. Review status: criteria provided, single submitter. Criteria: ICSL Variant Classification Criteria 13 December 2019. Collection method: clinical testing. Allele origin: germline.

Genetic Services Laboratory, University of Chicago
Classification: Uncertain significance. Last evaluated: 2016-11-02. Review status: criteria provided, single submitter. Criteria: ACMG Guidelines, 2015. Collection method: clinical testing. Allele origin: germline. Affected: no.